The following is an entry in ClinVar:

NM_017671.5(FERMT1):c.1864G>T (p.Val622Phe)

Gene: FERMT1 (FERM domain containing kindlin 1; minus strand). Cytogenetic location: 20p12.3.
Variant type: single nucleotide variant.
Coding change: c.1864G>T on transcript NM_017671.5 (MANE Select); coding-DNA position 1864, G replaced by T.
Protein change: p.Val622Phe; replaces valine 622 with phenylalanine.
Molecular consequence: missense variant.
Genome position (GRCh38, 1-based): chr20:6,077,343, C>A on the plus strand (G>T on the coding strand, the complement: FERMT1 is on the minus strand). VCF-style: chr20-6077343-C-A. GRCh37 (hg19) VCF-style: chr20-6057990-C-A.
Other names: short protein forms V622F.
Identifiers: ClinVar variation 1906682 (VCV001906682.5), dbSNP rs1331533997, ClinGen allele CA408175912.

ClinVar aggregate classification (germline): Uncertain significance (1 of 4 stars; one submission).

Allele frequency attached by ClinVar (database versions not stated): gnomAD exomes below 0.00001; gnomAD 0.00001.
gnomAD v4.1: 4 of 1,613,924 alleles (0.00025%); highest among the groups gnomAD compares: Non-Finnish European, 0.00034%; no homozygotes.

Submission:

Labcorp Genetics (formerly Invitae), Labcorp
Classification: Uncertain significance. Last evaluated: 2024-02-17. Review status: criteria provided, single submitter. Criteria: Invitae Variant Classification Sherloc (09022015). Collection method: clinical testing. Allele origin: germline.
Comment: This sequence change replaces valine, which is neutral and non-polar, with phenylalanine, which is neutral and non-polar, at codon 622 of the FERMT1 protein (p.Val622Phe). This variant is present in population databases (no rsID available, gnomAD 0.0009%). This variant has not been reported in the literature in individuals affected with FERMT1-related conditions. ClinVar contains an entry for this variant (Variation ID: 1906682). Advanced modeling of protein sequence and biophysical properties (such as structural, functional, and spatial information, amino acid conservation, physicochemical variation, residue mobility, and thermodynamic stability) performed at Invitae indicates that this missense variant is not expected to disrupt FERMT1 protein function with a negative predictive value of 80%. In summary, the available evidence is currently insufficient to determine the role of this variant in disease. Therefore, it has been classified as a Variant of Uncertain Significance.